The following is an entry in ClinVar:

NM_012431.3(SEMA3E):c.1630T>C (p.Cys544Arg)

Gene: SEMA3E (semaphorin 3E; minus strand). Cytogenetic location: 7q21.11.
Variant type: single nucleotide variant.
Coding change: c.1630T>C on transcript NM_012431.3 (MANE Select); coding-DNA position 1630, T replaced by C.
Protein change: p.Cys544Arg; replaces cysteine 544 with arginine.
Molecular consequence: missense variant.
Genome position (GRCh38, 1-based): chr7:83,392,592, A>G on the plus strand (T>C on the coding strand, the complement: SEMA3E is on the minus strand). VCF-style: chr7-83392592-A-G. GRCh37 (hg19) VCF-style: chr7-83021908-A-G.
Other names: c.1450T>C, p.Cys484Arg (NM_001178129.2); short protein forms C484R, C544R.
Identifiers: ClinVar variation 1320935 (VCV001320935.6), dbSNP rs2115581814, ClinGen allele CA367923108.

ClinVar aggregate classification (germline): Uncertain significance. Review status: criteria provided, multiple submitters, no conflicts (2 of 4 stars). 3 submissions from 3 submitters: Uncertain significance (3). Last evaluated 2023-11-12.

Conditions:
Hypogonadotropic hypogonadism 7 with or without anosmia (HH7). Also called: GNRHR-Related GnRH Deficiency; HYPOGONADOTROPIC HYPOGONADISM 7 WITHOUT ANOSMIA. Identifiers: Orphanet 432, MedGen C0342384, MONDO:0007794, OMIM 146110.
CHARGE syndrome (CHARGE). Also called: Hittner Hirsch Kreh syndrome; CHARGE ASSOCIATION--COLOBOMA, HEART ANOMALY, CHOANAL ATRESIA, RETARDATION, GENITAL AND EAR ANOMALIES; Coloboma, heart anomaly, choanal atresia, retardation, genital and ear anomalies; CHARGE association; Hall-Hittner syndrome. Identifiers: Orphanet 138, MedGen C0265354, MONDO:0008965.

Allele frequency attached by ClinVar (database versions not stated): gnomAD exomes below 0.00001.
gnomAD v4.1: 1 of 1,613,854 alleles (0.000062%); highest among the groups gnomAD compares: Non-Finnish European, 0.000085%; no homozygotes.

Submissions (3):

Labcorp Genetics (formerly Invitae), Labcorp
Classification: Uncertain significance for CHARGE syndrome. Last evaluated: 2023-11-12. Review status: criteria provided, single submitter. Criteria: Invitae Variant Classification Sherloc (09022015). Collection method: clinical testing. Allele origin: germline.
Comment: This sequence change replaces cysteine, which is neutral and slightly polar, with arginine, which is basic and polar, at codon 544 of the SEMA3E protein (p.Cys544Arg). This variant is not present in population databases (gnomAD no frequency). This variant has not been reported in the literature in individuals affected with SEMA3E-related conditions. ClinVar contains an entry for this variant (Variation ID: 1320935). Advanced modeling of protein sequence and biophysical properties (such as structural, functional, and spatial information, amino acid conservation, physicochemical variation, residue mobility, and thermodynamic stability) performed at Invitae indicates that this missense variant is expected to disrupt SEMA3E protein function with a positive predictive value of 80%. In summary, the available evidence is currently insufficient to determine the role of this variant in disease. Therefore, it has been classified as a Variant of Uncertain Significance.

Fulgent Genetics
Classification: Uncertain significance for Hypogonadotropic hypogonadism 7 with or without anosmia; CHD7-related CHARGE syndrome. Last evaluated: 2021-11-22. Review status: criteria provided, single submitter. Criteria: ACMG Guidelines, 2015. Collection method: clinical testing. Allele origin: unknown.

GeneDx
Classification: Uncertain significance. Last evaluated: 2019-08-14. Review status: criteria provided, single submitter. Criteria: GeneDx Variant Classification Process June 2021. Collection method: clinical testing. Allele origin: germline. Affected: yes.
Comment: Not observed in large population cohorts (Lek et al., 2016); In silico analysis, which includes protein predictors and evolutionary conservation, supports a deleterious effect; Has not been previously published as pathogenic or benign to our knowledge